The following is an entry in ClinVar:

ClinVar aggregate classification (germline): Uncertain significance (1 of 4 stars; one submission).

Submission:

GeneDx
Classification: Uncertain significance. Last evaluated: 2021-07-17. Review status: criteria provided, single submitter. Criteria: GeneDx Variant Classification Process June 2021. Collection method: clinical testing. Allele origin: germline. Affected: yes.
Comment: Not observed at significant frequency in large population cohorts (gnomAD); In silico analysis supports that this missense variant does not alter protein structure/function; Has not been previously published as pathogenic or benign to our knowledge; This variant is associated with the following publications: (PMID: 27535533)

NM_001378418.1(TCF20):c.4850C>T (p.Ala1617Val)

Gene: TCF20 (transcription factor 20; minus strand). Cytogenetic location: 22q13.2.
Variant type: single nucleotide variant.
Coding change: c.4850C>T on transcript NM_001378418.1 (MANE Select); coding-DNA position 4850, C replaced by T.
Protein change: p.Ala1617Val; replaces alanine 1617 with valine.
Molecular consequence: missense variant.
Genome position (GRCh38, 1-based): chr22:42,210,456, G>A on the plus strand (C>T on the coding strand, the complement: TCF20 is on the minus strand). VCF-style: chr22-42210456-G-A. GRCh37 (hg19) VCF-style: chr22-42606462-G-A.
Other names: c.4850C>T, p.Ala1617Val (NM_005650.4, NM_181492.3); short protein forms A1617V.
Identifiers: ClinVar variation 1800520 (VCV001800520.1), dbSNP rs2518203686, ClinGen allele CA411783138.